The following is an entry in ClinVar:

NM_004656.4(BAP1):c.1802AGG[1] (p.Glu602del)

Gene: BAP1 (BRCA1 associated deubiquitinase 1; minus strand). Cytogenetic location: 3p21.1.
Variant type: Microsatellite.
Coding change: c.1802AGG[1] on transcript NM_004656.4 (MANE Select); one copy of the 3-base unit AGG starting at c.1802; the reference has two copies in a row; one copy, 3 bases deleted.
Protein change: p.Glu602del; deletes glutamic acid 602.
Molecular consequence: inframe deletion.
Genome position (GRCh38, 1-based): chr3:52,403,221-52,403,223, CCT deleted on the plus strand (AGG on the coding strand, the reverse complement: BAP1 is on the minus strand); deleting any 3 consecutive bases within chr3:52,403,221-52,403,226 gives the same sequence; the position shown is the placement nearest the transcript's 3' end. VCF-style (leftmost placement, unchanged base first): chr3-52403220-ACCT-A. GRCh37 (hg19) VCF-style: chr3-52437236-ACCT-A.
Other names: short protein forms E602del.
Identifiers: ClinVar variation 1332492 (VCV001332492.6), dbSNP rs2153226476, ClinGen allele CA433885941.

ClinVar aggregate classification (germline): Conflicting classifications of pathogenicity. Review status: criteria provided, conflicting classifications (1 of 4 stars). 3 submissions from 3 submitters: Uncertain significance (2); Benign (1). Last evaluated 2025-11-05.

Conditions:
BAP1-related tumor predisposition syndrome (TPDS1). Also called: Tumor susceptibility linked to germline BAP1 mutations; BAP1 tumor predisposition syndrome; COMMON Syndrome; TUMOR PREDISPOSITION SYNDROME 1. Identifiers: Orphanet 289539, MedGen C3280492, MONDO:0013692, OMIM 614327.
Hereditary cancer-predisposing syndrome. Also called: Tumor predisposition; Hereditary Cancer Syndrome; Neoplastic Syndromes, Hereditary; Hereditary neoplastic syndrome. Identifiers: Orphanet 140162, MedGen C0027672, MeSH D009386, MONDO:0015356.

Submissions (3):

Ambry Genetics
Classification: Benign for Hereditary cancer-predisposing syndrome. Last evaluated: 2025-11-05. Review status: criteria provided, single submitter. Criteria: Ambry Variant Classification Scheme 2023. Collection method: clinical testing. Allele origin: germline.

Labcorp Genetics (formerly Invitae), Labcorp
Classification: Uncertain significance for BAP1-related tumor predisposition syndrome. Last evaluated: 2025-10-07. Review status: criteria provided, single submitter. Criteria: Invitae Variant Classification Sherloc (09022015). Collection method: clinical testing. Allele origin: germline.
Comment: This variant, c.1805_1807del, results in the deletion of 1 amino acid(s) of the BAP1 protein (p.Glu602del), but otherwise preserves the integrity of the reading frame. This variant is not present in population databases (gnomAD no frequency). This variant has not been reported in the literature in individuals affected with BAP1-related conditions. ClinVar contains an entry for this variant (Variation ID: 1332492). Experimental studies and prediction algorithms are not available or were not evaluated, and the functional significance of this variant is currently unknown. In summary, the available evidence is currently insufficient to determine the role of this variant in disease. Therefore, it has been classified as a Variant of Uncertain Significance.

Color Diagnostics, LLC DBA Color Health
Classification: Uncertain significance for Hereditary cancer-predisposing syndrome. Last evaluated: 2021-02-17. Review status: criteria provided, single submitter. Criteria: ACMG Guidelines, 2015. Collection method: clinical testing. Allele origin: germline.
Comment: This variant is located in the BAP1 protein. To our knowledge, functional studies have not been reported for this variant. This variant has not been reported in individuals affected with hereditary cancer in the literature. This variant has not been identified in the general population by the Genome Aggregation Database (gnomAD). The available evidence is insufficient to determine the role of this variant in disease conclusively. Therefore, this variant is classified as a Variant of Uncertain Significance.

Literature cited by the submitters: PubMed 38969833 (cited by Ambry Genetics).